The following is an entry in ClinVar:

ClinVar aggregate classification (germline): Likely pathogenic (1 of 4 stars; one submission).

Conditions:
Autosomal recessive nonsyndromic hearing loss 23. Identifiers: Orphanet 90636, MedGen C1836027, MONDO:0012293, OMIM 609533.

Submission:

Institute of Rare Diseases, West China Hospital, Sichuan University
Classification: Likely pathogenic for Autosomal recessive nonsyndromic hearing loss 23. Last evaluated: 2025-01-09. Review status: criteria provided, single submitter. Criteria: ClinGen HL ACMG Specifications v1. Collection method: research. Allele origin: germline. Affected: yes.
Comment: PVS1;PM2_Supporting

NM_001384140.1(PCDH15):c.4671+1384dup

Gene: PCDH15 (protocadherin related 15; minus strand). Cytogenetic location: 10q21.1.
Variant type: Duplication.
Coding change: c.4671+1384dup on transcript NM_001384140.1 (MANE Select); 1384 bases into the intron after coding-DNA position 4671, one base duplicated (T; older notation c.4671+1384dupT).
Molecular consequence: intron variant. On other transcripts: frameshift variant (1), nonsense (2), 3 prime UTR variant (1).
Genome position (GRCh38, 1-based): chr10:53,809,172, A duplicated on the plus strand (T on the coding strand, the reverse complement: PCDH15 is on the minus strand). VCF-style (leftmost placement, unchanged base first): chr10-53809171-C-CA. GRCh37 (hg19) VCF-style: chr10-55568931-C-CA.
Other names: c.4893dup, p.Glu1632Terfs (NM_001142769.4); c.*308dup (NM_001142770.3); c.4872dup, p.Glu1625Ter (NM_001354411.2); c.4476+1384dup (NM_001354420.2); c.4605+1384dup (NM_001354429.2); c.4482+1384dup (NM_001142772.2); c.4497+1384dup (NM_001142771.2); short protein forms E1625*, E1632*.
Identifiers: ClinVar variation 3601623 (VCV003601623.1).